The following is an entry in ClinVar:

NM_001042492.3(NF1):c.6685T>C (p.Trp2229Arg)

Gene: NF1 (neurofibromin 1; plus strand). Cytogenetic location: 17q11.2.
Variant type: single nucleotide variant.
Coding change: c.6685T>C on transcript NM_001042492.3 (MANE Select); coding-DNA position 6685, T replaced by C.
Protein change: p.Trp2229Arg; replaces tryptophan 2229 with arginine.
Molecular consequence: missense variant.
Genome position (GRCh38, 1-based): chr17:31,337,861, T>C. VCF-style: chr17-31337861-T-C. GRCh37 (hg19) VCF-style: chr17-29664879-T-C.
Other names: c.6622T>C, p.Trp2208Arg (NM_000267.4); short protein forms W2229R, W2208R.
Identifiers: ClinVar variation 404554 (VCV000404554.13), dbSNP rs1060500342, ClinGen allele CA16615567.

ClinVar aggregate classification (germline): Pathogenic/Likely pathogenic. Review status: criteria provided, multiple submitters, no conflicts (2 of 4 stars). 5 submissions from 4 submitters: Pathogenic (1); Likely pathogenic (4). Last evaluated 2026-01-26.

Conditions:
Hereditary cancer-predisposing syndrome. Also called: Hereditary neoplastic syndrome; Hereditary Cancer Syndrome; Tumor predisposition; Neoplastic Syndromes, Hereditary. Identifiers: Orphanet 140162, MedGen C0027672, MeSH D009386, MONDO:0015356.
Cardiovascular phenotype. Identifiers: MedGen CN230736.
Neurofibromatosis, type 1 (NF1). Also called: Neurofibromatosis, type I; NEUROFIBROMATOSIS, TYPE I, SOMATIC; VON RECKLINGHAUSEN DISEASE; Peripheral type neurofibromatosis. Identifiers: Orphanet 636, MedGen C0027831, MONDO:0018975, OMIM 162200. Disease mechanism: loss of function.

Submissions (5):

GeneDx
Classification: Likely pathogenic. Last evaluated: 2026-01-26. Review status: criteria provided, single submitter. Criteria: GeneDx Variant Classification Process June 2021. Collection method: clinical testing. Allele origin: germline.
Comment: Not observed at significant frequency in large population cohorts (gnomAD); In silico analysis supports that this missense variant has a deleterious effect on protein structure/function; Has not been previously published as pathogenic or benign to our knowledge; This variant is associated with the following publications: (PMID: 31653819)

Labcorp Genetics (formerly Invitae), Labcorp
Classification: Pathogenic for Neurofibromatosis, type 1. Last evaluated: 2024-05-20. Review status: criteria provided, single submitter. Criteria: Invitae Variant Classification Sherloc (09022015). Collection method: clinical testing. Allele origin: germline.
Comment: This sequence change replaces tryptophan, which is neutral and slightly polar, with arginine, which is basic and polar, at codon 2208 of the NF1 protein (p.Trp2208Arg). This variant is not present in population databases (gnomAD no frequency). This missense change has been observed in individuals with neurofibromatosis type 1 (NF1) (Invitae; external communication). It has also been observed to segregate with disease in related individuals. ClinVar contains an entry for this variant (Variation ID: 404554). Advanced modeling of protein sequence and biophysical properties (such as structural, functional, and spatial information, amino acid conservation, physicochemical variation, residue mobility, and thermodynamic stability) performed at Invitae indicates that this missense variant is expected to disrupt NF1 protein function with a positive predictive value of 95%. For these reasons, this variant has been classified as Pathogenic.

Ambry Genetics
Classification: Likely pathogenic for Cardiovascular phenotype; Hereditary cancer-predisposing syndrome. Last evaluated: 2023-08-21. Review status: criteria provided, single submitter. Criteria: Ambry Variant Classification Scheme 2023. Collection method: clinical testing. Allele origin: germline.
Comment: The p.W2208R variant (also known as c.6622T>C), located in coding exon 43 of the NF1 gene, results from a T to C substitution at nucleotide position 6622. The tryptophan at codon 2208 is replaced by arginine, an amino acid with dissimilar properties. The variant was detected in multiple individuals with a clinical or suspected diagnosis of neurofibromatosis type 1 and co-segregated with disease in one family, and has been observed in additional individuals with a personal and/or family history that is consistent with NF1-related disease (Ambry internal data). This missense alteration is located in a region that has a low rate of benign missense variation (Lek M et al. Nature. 2016 Aug 18;536(7616):285-91; DECIPHER: Database of Chromosomal Imbalance and Phenotype in Humans using Ensembl Resources. Firth H.V. et al. 2009. Am.J.Hum.Genet. 84, 524-533). This variant was not reported in population-based cohorts in the Genome Aggregation Database (gnomAD). This amino acid position is highly conserved in available vertebrate species. In addition, this alteration is predicted to be deleterious by in silico analysis. Based on the majority of available evidence to date, this variant is likely to be pathogenic.

Genome-Nilou Lab
Classification: Likely pathogenic for Neurofibromatosis, type 1. Last evaluated: 2022-03-15. Review status: criteria provided, single submitter. Criteria: ACMG Guidelines, 2015. Collection method: clinical testing. Allele origin: germline. Affected: no.

Ambry Genetics
Classification: Likely pathogenic for Hereditary cancer-predisposing syndrome. Last evaluated: 2020-09-23. Review status: criteria provided, single submitter. Criteria: Ambry Autosomal Dominant and X-Linked criteria (7/2020). Collection method: clinical testing. Allele origin: germline. Observed: 1 variant allele.
Comment: The p.W2229R variant (also known as c.6685T>C), located in coding exon 43 of the NF1 gene, results from a T to C substitution at nucleotide position 6622. The tryptophan at codon 2208 is replaced by arginine, an amino acid with dissimilar properties. The variant was detected in multiple individuals with a clinical or suspected diagnosis of neurofibromatosis type 1 and co-segregated with disease in one family (Ambry internal data). This missense alteration is located in a region that has a low rate of benign missense variation (Lek M et al. Nature. 2016 Aug 18;536(7616):285-91; DECIPHER: Database of Chromosomal Imbalance and Phenotype in Humans using Ensembl Resources. Firth H.V. et al. 2009. Am.J.Hum.Genet. 84, 524-533). This variant was not reported in population-based cohorts in the Genome Aggregation Database (gnomAD). This amino acid position is highly conserved in available vertebrate species. In addition, this alteration is predicted to be deleterious by in silico analysis. Based on the majority of available evidence to date, this variant is likely to be pathogenic.